The following is an entry in ClinVar:

ClinVar aggregate classification (germline): Uncertain significance. Review status: criteria provided, multiple submitters, no conflicts (2 of 4 stars). 4 submissions from 4 submitters: Uncertain significance (3). 1 of the submissions does not count toward it. Last evaluated 2025-03-17.

Conditions:
Granulomatous disease, chronic, autosomal recessive, cytochrome b-negative. Also called: GRANULOMATOUS DISEASE, CHRONIC, AUTOSOMAL RECESSIVE, 4; Chronic granulomatous disease, autosomal, due to deficiency of CYBA; CGD DUE TO DEFICIENCY OF THE ALPHA SUBUNIT OF CYTOCHROME b; CGD, AUTOSOMAL RECESSIVE CYTOCHROME b-NEGATIVE; CYBA DEFICIENCY. Identifiers: Orphanet 379, MedGen C1856255, MONDO:0009308, OMIM 233690.
Inborn genetic diseases. Identifiers: MedGen C0950123, MeSH D030342.
Chronic granulomatous disease. Identifiers: Orphanet 379, MedGen C0018203, MONDO:0018305.

Allele frequency attached by ClinVar (database versions not stated): gnomAD exomes 0.00003 and 0.00005; ExAC 0.00009; TOPMed 0.00015; 1000 Genomes Project 30x 0.00016; gnomAD 0.00016.

Submissions (4):

Ambry Genetics
Classification: Uncertain significance for Inborn genetic diseases. Last evaluated: 2025-03-17. Review status: criteria provided, single submitter. Criteria: Ambry Variant Classification Scheme 2023. Collection method: clinical testing. Allele origin: germline.

GeneDx
Classification: Uncertain significance. Last evaluated: 2024-07-30. Review status: criteria provided, single submitter. Criteria: GeneDx Variant Classification Process June 2021. Collection method: clinical testing. Allele origin: germline. Affected: yes.
Comment: In silico analysis indicates that this missense variant does not alter protein structure/function; Has not been previously published as pathogenic or benign to our knowledge

Labcorp Genetics (formerly Invitae), Labcorp
Classification: Uncertain significance for Granulomatous disease, chronic, autosomal recessive, cytochrome b-negative. Last evaluated: 2022-09-07. Review status: criteria provided, single submitter. Criteria: Invitae Variant Classification Sherloc (09022015). Collection method: clinical testing. Allele origin: germline.
Comment: This sequence change replaces threonine, which is neutral and polar, with methionine, which is neutral and non-polar, at codon 132 of the CYBA protein (p.Thr132Met). The frequency data for this variant in the population databases is considered unreliable, as metrics indicate poor data quality at this position in the gnomAD database. This variant has not been reported in the literature in individuals affected with CYBA-related conditions. ClinVar contains an entry for this variant (Variation ID: 567401). Algorithms developed to predict the effect of missense changes on protein structure and function output the following: SIFT: "Tolerated"; PolyPhen-2: "Benign"; Align-GVGD: "Class C0". The methionine amino acid residue is found in multiple mammalian species, which suggests that this missense change does not adversely affect protein function. In summary, the available evidence is currently insufficient to determine the role of this variant in disease. Therefore, it has been classified as a Variant of Uncertain Significance.

Natera, Inc.
Classification: Uncertain significance for Chronic granulomatous disease. Last evaluated: 2019-10-28. Review status: no assertion criteria provided. Collection method: clinical testing. Allele origin: germline. Not counted in ClinVar's aggregate classification.

NM_000101.4(CYBA):c.395C>T (p.Thr132Met)

Gene: CYBA (cytochrome b-245 alpha chain; minus strand). Cytogenetic location: 16q24.2.
Variant type: single nucleotide variant.
Coding change: c.395C>T on transcript NM_000101.4 (MANE Select); coding-DNA position 395, C replaced by T.
Protein change: p.Thr132Met; replaces threonine 132 with methionine.
Molecular consequence: missense variant.
Genome position (GRCh38, 1-based): chr16:88,643,546, G>A on the plus strand (C>T on the coding strand, the complement: CYBA is on the minus strand). VCF-style: chr16-88643546-G-A. GRCh37 (hg19) VCF-style: chr16-88709954-G-A.
Other names: c.395C>T (NM_000101.2); short protein forms T132M.
Identifiers: ClinVar variation 567401 (VCV000567401.9), dbSNP rs562308643, ClinGen allele CA8228205.